The following is an entry in ClinVar:

NM_001377334.1(PIK3C2B):c.4086G>A (p.Lys1362=)

Gene: PIK3C2B (phosphatidylinositol-4-phosphate 3-kinase catalytic subunit type 2 beta; minus strand). Cytogenetic location: 1q32.1.
Variant type: single nucleotide variant.
Coding change: c.4086G>A on transcript NM_001377334.1 (MANE Select); coding-DNA position 4086, G replaced by A.
Protein change: p.Lys1362=; no amino-acid change (lysine 1362 retained).
Molecular consequence: synonymous variant.
Genome position (GRCh38, 1-based): chr1:204,432,269, C>T on the plus strand (G>A on the coding strand, the complement: PIK3C2B is on the minus strand). VCF-style: chr1-204432269-C-T. GRCh37 (hg19) VCF-style: chr1-204401397-C-T.
Other names: c.4002G>A, p.Lys1334= (NM_001377335.1); c.4086G>A, p.Lys1362= (NM_002646.4).
Identifiers: ClinVar variation 3049527 (VCV003049527.2), dbSNP rs146463340, ClinGen allele CA1347260.

ClinVar aggregate classification (germline): Likely benign (0 of 4 stars; one submission).

Conditions:
PIK3C2B-related disorder. Also called: PIK3C2B-related condition.

Allele frequency attached by ClinVar (database versions not stated): gnomAD exomes 0.00007; ExAC 0.00028; ESP Exome Variant Server 0.00054; gnomAD 0.00060; TOPMed 0.00076; 1000 Genomes Project 0.00120; 1000 Genomes Project 30x 0.00125.
gnomAD v4.1: 186 of 1,614,110 alleles (0.012%); highest among the groups gnomAD compares: African/African-American, 0.23%; no homozygotes.

Submission:

PreventionGenetics, part of Exact Sciences
Classification: Likely benign for PIK3C2B-related condition. Last evaluated: 2019-08-02. Review status: no assertion criteria provided. Collection method: clinical testing. Allele origin: germline.
Comment: This variant is classified as likely benign based on ACMG/AMP sequence variant interpretation guidelines (Richards et al. 2015 PMID: 25741868, with internal and published modifications).